The following is an entry in ClinVar:

NM_003922.4(HERC1):c.10661G>A (p.Arg3554Gln)

Gene: HERC1 (HECT and RLD domain containing E3 ubiquitin protein ligase family member 1; minus strand). Cytogenetic location: 15q22.31.
Variant type: single nucleotide variant.
Coding change: c.10661G>A on transcript NM_003922.4 (MANE Select); coding-DNA position 10661, G replaced by A.
Protein change: p.Arg3554Gln; replaces arginine 3554 with glutamine.
Molecular consequence: missense variant.
Genome position (GRCh38, 1-based): chr15:63,649,811, C>T on the plus strand (G>A on the coding strand, the complement: HERC1 is on the minus strand). VCF-style: chr15-63649811-C-T. GRCh37 (hg19) VCF-style: chr15-63942010-C-T.
Other names: short protein forms R3554Q.
Identifiers: ClinVar variation 1935622 (VCV001935622.5), dbSNP rs766536918, ClinGen allele CA7604413.

ClinVar aggregate classification (germline): Uncertain significance (1 of 4 stars; one submission).

gnomAD v4.1: 3 of 1,613,544 alleles (0.00019%); highest among the groups gnomAD compares: Non-Finnish European, 0.00025%; no homozygotes.

Submission:

Labcorp Genetics (formerly Invitae), Labcorp
Classification: Uncertain significance. Last evaluated: 2022-11-08. Review status: criteria provided, single submitter. Criteria: Invitae Variant Classification Sherloc (09022015). Collection method: clinical testing. Allele origin: germline.
Comment: In summary, the available evidence is currently insufficient to determine the role of this variant in disease. Therefore, it has been classified as a Variant of Uncertain Significance. Advanced modeling of protein sequence and biophysical properties (such as structural, functional, and spatial information, amino acid conservation, physicochemical variation, residue mobility, and thermodynamic stability) performed at Invitae indicates that this missense variant is not expected to disrupt HERC1 protein function. This variant has not been reported in the literature in individuals affected with HERC1-related conditions. This variant is present in population databases (rs766536918, gnomAD 0.0009%). This sequence change replaces arginine, which is basic and polar, with glutamine, which is neutral and polar, at codon 3554 of the HERC1 protein (p.Arg3554Gln).